The following is an entry in ClinVar:

NM_000258.3(MYL3):c.10A>C (p.Lys4Gln)

Gene: MYL3 (myosin light chain 3; minus strand). Cytogenetic location: 3p21.31.
Variant type: single nucleotide variant.
Coding change: c.10A>C on transcript NM_000258.3 (MANE Select); coding-DNA position 10, A replaced by C.
Protein change: p.Lys4Gln; replaces lysine 4 with glutamine.
Molecular consequence: missense variant.
Genome position (GRCh38, 1-based): chr3:46,863,381, T>G on the plus strand (A>C on the coding strand, the complement: MYL3 is on the minus strand). VCF-style: chr3-46863381-T-G. GRCh37 (hg19) VCF-style: chr3-46904871-T-G.
Other names: c.10A>C (NM_000258.2); short protein forms K4Q.
Identifiers: ClinVar variation 1297669 (VCV001297669.6), dbSNP rs1404760917, ClinGen allele CA352499966.
Genomic context (GRCh38, chr3:46,863,381, plus strand): 5'-CGGGAGCTGGAGCTGCCTTGGGGGCTGCCTTGGCATCATCCTTCTTGGGCTCTGGCTTTT[T>G]GGGGGCCATTGGGGGCTGTAAGTACAGAGAGGGATGTGGAGAGAAGAATGCAGAAAGCAG-3'
Protein context (NP_000249.1, residues 1-14): MAP[Lys4Gln]KPEPKKDDAK

ClinVar aggregate classification (germline): Uncertain significance. Review status: criteria provided, multiple submitters, no conflicts (2 of 4 stars). 4 submissions from 4 submitters: Uncertain significance (2). 2 of the submissions do not count toward it. Last evaluated 2024-08-30.

Conditions:
Hypertrophic cardiomyopathy. Also called: HYPERTROPHIC MYOCARDIOPATHY. Identifiers: Orphanet 217569, MedGen C0007194, MeSH D002312, MONDO:0005045, HP:0001639.

Allele frequency attached by ClinVar (database versions not stated): gnomAD exomes below 0.00001; gnomAD 0.00001; TOPMed 0.00005.

Submissions (4):

Labcorp Genetics (formerly Invitae), Labcorp
Classification: Uncertain significance for Hypertrophic cardiomyopathy. Last evaluated: 2024-08-30. Review status: criteria provided, single submitter. Criteria: Invitae Variant Classification Sherloc (09022015). Collection method: clinical testing. Allele origin: germline.
Comment: This sequence change replaces lysine, which is basic and polar, with glutamine, which is neutral and polar, at codon 4 of the MYL3 protein (p.Lys4Gln). This variant is not present in population databases (gnomAD no frequency). This variant has not been reported in the literature in individuals affected with MYL3-related conditions. ClinVar contains an entry for this variant (Variation ID: 1297669). Experimental studies and prediction algorithms are not available or were not evaluated, and the functional significance of this variant is currently unknown. In summary, the available evidence is currently insufficient to determine the role of this variant in disease. Therefore, it has been classified as a Variant of Uncertain Significance.

GeneDx
Classification: Uncertain significance. Last evaluated: 2024-02-26. Review status: criteria provided, single submitter. Criteria: GeneDx Variant Classification Process June 2021. Collection method: clinical testing. Allele origin: germline. Affected: yes.
Comment: Not observed at significant frequency in large population cohorts (gnomAD); In silico analysis supports that this missense variant has a deleterious effect on protein structure/function; Has not been previously published as pathogenic or benign to our knowledge

Clinical Genetics DNA and cytogenetics Diagnostics Lab, Erasmus MC, Erasmus Medical Center
Classification: Uncertain significance. Review status: no assertion criteria provided. Collection method: clinical testing. Allele origin: germline. Affected: yes. Study: VKGL Data-share Consensus. Not counted in ClinVar's aggregate classification.

Joint Genome Diagnostic Labs from Nijmegen and Maastricht, Radboudumc and MUMC+
Classification: Uncertain significance. Review status: no assertion criteria provided. Collection method: clinical testing. Allele origin: germline. Affected: yes. Study: VKGL Data-share Consensus. Not counted in ClinVar's aggregate classification.